The following is an entry in ClinVar:

NM_004482.4(GALNT3):c.901G>A (p.Val301Ile)

Gene: GALNT3 (polypeptide N-acetylgalactosaminyltransferase 3; minus strand). Cytogenetic location: 2q24.3.
Variant type: single nucleotide variant.
Coding change: c.901G>A on transcript NM_004482.4 (MANE Select); coding-DNA position 901, G replaced by A.
Protein change: p.Val301Ile; replaces valine 301 with isoleucine.
Molecular consequence: missense variant.
Genome position (GRCh38, 1-based): chr2:165,759,508, C>T on the plus strand (G>A on the coding strand, the complement: GALNT3 is on the minus strand). VCF-style: chr2-165759508-C-T. GRCh37 (hg19) VCF-style: chr2-166616018-C-T.
Other names: p.Val301Ile; short protein forms V301I.
Identifiers: ClinVar variation 791877 (VCV000791877.15), dbSNP rs143647583, ClinGen allele CA1941058.

ClinVar aggregate classification (germline): Conflicting classifications of pathogenicity. Review status: criteria provided, conflicting classifications (1 of 4 stars). 4 submissions from 4 submitters: Uncertain significance (1); Benign (1); Likely benign (1). 1 of the submissions does not count toward it. Last evaluated 2026-01-28.

Conditions:
GALNT3-related disorder. Also called: GALNT3-related condition.
Tumoral calcinosis, hyperphosphatemic, familial, 1. Also called: CALCINOSIS, TUMORAL, WITH HYPERPHOSPHATEMIA; LIPOCALCINOGRANULOMATOSIS; MORBUS TEUTSCHLAENDER; TEUTSCHLAENDER DISEASE, FAMILIAL; TUMORAL CALCINOSIS, PRIMARY HYPERPHOSPHATEMIC; HYPEROSTOSIS WITH HYPERPHOSPHATEMIA. Identifiers: Orphanet 53715, MedGen C4692564, MONDO:0100252, OMIM 211900.

Allele frequency attached by ClinVar (database versions not stated): gnomAD exomes 0.00015 and 0.00045; ExAC 0.00054; ESP Exome Variant Server 0.00154; gnomAD 0.00210 and 0.00222; TOPMed 0.00213; 1000 Genomes Project 0.00220; 1000 Genomes Project 30x 0.00234.
gnomAD v4.1: 539 of 1,614,048 alleles (0.033%); highest among the groups gnomAD compares: African/African-American, 0.66%; 1 homozygote.

Submissions (4):

Labcorp Genetics (formerly Invitae), Labcorp
Classification: Benign. Last evaluated: 2026-01-28. Review status: criteria provided, single submitter. Criteria: Invitae Variant Classification Sherloc (09022015). Collection method: clinical testing. Allele origin: germline.

Mayo Clinic Laboratories, Mayo Clinic
Classification: Uncertain significance. Last evaluated: 2023-02-24. Review status: criteria provided, single submitter. Criteria: ACMG Guidelines, 2015. Collection method: clinical testing. Allele origin: germline. Observed: 1 variant allele.
Comment: BS1

Illumina Laboratory Services, Illumina
Classification: Likely benign for Tumoral calcinosis, hyperphosphatemic, familial, 1. Last evaluated: 2018-01-13. Review status: criteria provided, single submitter. Criteria: ICSL Variant Classification Criteria 13 December 2019. Collection method: clinical testing. Allele origin: germline.
Comment: This variant was observed in the ICSL laboratory as part of a predisposition screen in an ostensibly healthy population. It had not been previously curated by ICSL or reported in the Human Gene Mutation Database (HGMD: prior to June 1st, 2018), and was therefore a candidate for classification through an automated scoring system. Utilizing variant allele frequency, disease prevalence and penetrance estimates, and inheritance mode, an automated score was calculated to assess if this variant is too frequent to cause the disease. Based on the score and internal cut-off values, a variant classified as likely benign is not then subjected to further curation. The score for this variant resulted in a classification of likely benign for this disease.

PreventionGenetics, part of Exact Sciences
Classification: Likely benign for GALNT3-related condition. Last evaluated: 2019-08-20. Review status: no assertion criteria provided. Collection method: clinical testing. Allele origin: germline. Not counted in ClinVar's aggregate classification.
Comment: This variant is classified as likely benign based on ACMG/AMP sequence variant interpretation guidelines (Richards et al. 2015 PMID: 25741868, with internal and published modifications).